The following is an entry in ClinVar:

ClinVar aggregate classification (germline): Uncertain significance (1 of 4 stars; one submission).

Conditions:
Neuronal ceroid lipofuscinosis. Also called: Neuronal Ceroid Lipofuscinoses. Identifiers: Orphanet 216, Orphanet 79263, MedGen C0027877, MONDO:0016295. Disease mechanism: loss of function.

Allele frequency attached by ClinVar (database versions not stated): gnomAD exomes below 0.00001; TOPMed below 0.00001; gnomAD 0.00001.
gnomAD v4.1: 14 of 1,613,740 alleles (0.00087%); highest among the groups gnomAD compares: Admixed American, 0.0033%; no homozygotes.

Submission:

Labcorp Genetics (formerly Invitae), Labcorp
Classification: Uncertain significance for Neuronal ceroid lipofuscinosis. Last evaluated: 2021-08-24. Review status: criteria provided, single submitter. Criteria: Invitae Variant Classification Sherloc (09022015). Collection method: clinical testing. Allele origin: germline.
Comment: This sequence change replaces isoleucine with leucine at codon 67 of the CTSD protein (p.Ile67Leu). The isoleucine residue is moderately conserved and there is a small physicochemical difference between isoleucine and leucine. This variant is not present in population databases (ExAC no frequency). This variant has not been reported in the literature in individuals affected with CTSD-related conditions. Algorithms developed to predict the effect of missense changes on protein structure and function (SIFT, PolyPhen-2, Align-GVGD) all suggest that this variant is likely to be tolerated. In summary, the available evidence is currently insufficient to determine the role of this variant in disease. Therefore, it has been classified as a Variant of Uncertain Significance.

NM_001909.5(CTSD):c.199A>C (p.Ile67Leu)

Genes: PRADX (PRC2 and DDX5 associated lncRNA; plus strand), CTSD (cathepsin D; minus strand). Cytogenetic location: 11p15.5.
Variant type: single nucleotide variant.
Coding change: c.199A>C on transcript NM_001909.5 (MANE Select); coding-DNA position 199, A replaced by C.
Protein change: p.Ile67Leu; replaces isoleucine 67 with leucine.
Molecular consequence: missense variant.
Genome position (GRCh38, 1-based): chr11:1,761,338, T>G on the plus strand (A>C on the coding strand, the complement: CTSD is on the minus strand). VCF-style: chr11-1761338-T-G. GRCh37 (hg19) VCF-style: chr11-1782568-T-G.
Other names: short protein forms I67L.
Identifiers: ClinVar variation 457958 (VCV000457958.6), dbSNP rs1335299144, ClinGen allele CA379099472.